The following is an entry in ClinVar:

ClinVar aggregate classification (germline): Uncertain significance (1 of 4 stars; one submission).

Submission:

Ambry Genetics
Classification: Uncertain significance. Last evaluated: 2025-04-04. Review status: criteria provided, single submitter. Criteria: Ambry Variant Classification Scheme 2023. Collection method: clinical testing. Allele origin: germline.
Comment: The p.G106E variant (also known as c.317G>A), located in coding exon 2 of the GEN1 gene, results from a G to A substitution at nucleotide position 317. The glycine at codon 106 is replaced by glutamic acid, an amino acid with similar properties. This amino acid position is conserved. In addition, this alteration is predicted to be tolerated by in silico analysis. Based on the available evidence, the clinical significance of this variant remains unclear.

NM_001130009.3(GEN1):c.317G>A (p.Gly106Glu)

Gene: GEN1 (GEN1 Holliday junction 5' flap endonuclease; plus strand). Cytogenetic location: 2p24.2.
Variant type: single nucleotide variant.
Coding change: c.317G>A on transcript NM_001130009.3 (MANE Select); coding-DNA position 317, G replaced by A.
Protein change: p.Gly106Glu; replaces glycine 106 with glutamic acid.
Molecular consequence: missense variant.
Genome position (GRCh38, 1-based): chr2:17,761,551, G>A. VCF-style: chr2-17761551-G-A. GRCh37 (hg19) VCF-style: chr2-17942818-G-A.
Other names: c.317G>A, p.Gly106Glu (NM_182625.5); short protein forms G106E.
Identifiers: ClinVar variation 4029197 (VCV004029197.1).